The following is an entry in ClinVar:

ClinVar aggregate classification (germline): Likely benign. Review status: criteria provided, multiple submitters, no conflicts (2 of 4 stars). 5 submissions from 5 submitters: Likely benign (5). Last evaluated 2024-10-16.

Conditions:
Developmental and epileptic encephalopathy, 12 (DEE12). Identifiers: MedGen C3150988, MONDO:0013389, OMIM 613722.

Allele frequency attached by ClinVar (database versions not stated): gnomAD 0.00003; TOPMed 0.00003.
gnomAD v4.1: 13 of 1,557,506 alleles (0.00083%); highest among the groups gnomAD compares: Admixed American, 0.0039%; no homozygotes.

Submissions (5):

Labcorp Genetics (formerly Invitae), Labcorp
Classification: Likely benign for Developmental and epileptic encephalopathy, 12. Last evaluated: 2024-10-16. Review status: criteria provided, single submitter. Criteria: Invitae Variant Classification Sherloc (09022015). Collection method: clinical testing. Allele origin: germline.

Blueprint Genetics
Classification: Likely benign. Last evaluated: 2024-04-23. Review status: criteria provided, single submitter. Criteria: ACMG Guidelines, 2015. Collection method: clinical testing. Allele origin: germline.

CeGaT Center for Human Genetics Tuebingen
Classification: Likely benign. Last evaluated: 2022-01-01. Review status: criteria provided, single submitter. Criteria: CeGaT Center For Human Genetics Tuebingen Variant Classification Criteria Version 2. Collection method: clinical testing. Allele origin: germline. Affected: yes. Observed: 1 variant allele.

GeneDx
Classification: Likely benign. Last evaluated: 2017-03-31. Review status: criteria provided, single submitter. Criteria: GeneDx Variant Classification (06012015). Collection method: clinical testing. Allele origin: germline. Affected: yes.
Comment: This variant is considered likely benign or benign based on one or more of the following criteria: it is a conservative change, it occurs at a poorly conserved position in the protein, it is predicted to be benign by multiple in silico algorithms, and/or has population frequency not consistent with disease.

Athena Diagnostics
Classification: Likely benign. Last evaluated: 2017-03-15. Review status: criteria provided, single submitter. Criteria: Athena Diagnostics Criteria. Collection method: clinical testing. Allele origin: germline.

NM_007254.4(PNKP):c.789G>A (p.Thr263=)

Gene: PNKP (polynucleotide kinase 3'-phosphatase; minus strand). Cytogenetic location: 19q13.33.
Variant type: single nucleotide variant.
Coding change: c.789G>A on transcript NM_007254.4 (MANE Select); coding-DNA position 789, G replaced by A.
Protein change: p.Thr263=; no amino-acid change (threonine 263 retained).
Molecular consequence: synonymous variant.
Genome position (GRCh38, 1-based): chr19:49,863,716, C>T on the plus strand (G>A on the coding strand, the complement: PNKP is on the minus strand). VCF-style: chr19-49863716-C-T. GRCh37 (hg19) VCF-style: chr19-50366973-C-T.
Identifiers: ClinVar variation 448094 (VCV000448094.44), dbSNP rs768661843, ClinGen allele CA309496223.